The following is an entry in ClinVar:

ClinVar aggregate classification (germline): Uncertain significance (1 of 4 stars; one submission).

Conditions:
Hereditary cancer-predisposing syndrome. Also called: Tumor predisposition; Neoplastic Syndromes, Hereditary; Hereditary neoplastic syndrome; Hereditary Cancer Syndrome. Identifiers: Orphanet 140162, MedGen C0027672, MeSH D009386, MONDO:0015356.

Submission:

Ambry Genetics
Classification: Uncertain significance for Hereditary cancer-predisposing syndrome. Last evaluated: 2025-08-27. Review status: criteria provided, single submitter. Criteria: Ambry Variant Classification Scheme 2023. Collection method: clinical testing. Allele origin: germline.
Comment: The p.P345R variant (also known as c.1034C>G), located in coding exon 12 of the MUTYH gene, results from a C to G substitution at nucleotide position 1034. The proline at codon 345 is replaced by arginine, an amino acid with dissimilar properties. This amino acid position is conserved. In addition, this alteration is predicted to be tolerated by in silico analysis. Based on the available evidence, the clinical significance of this variant remains unclear.

NM_001048174.2(MUTYH):c.950C>G (p.Pro317Arg)

Gene: MUTYH (mutY DNA glycosylase; minus strand). Cytogenetic location: 1p34.1.
Variant type: single nucleotide variant.
Coding change: c.950C>G on transcript NM_001048174.2 (MANE Select); coding-DNA position 950, C replaced by G.
Protein change: p.Pro317Arg; replaces proline 317 with arginine.
Molecular consequence: missense variant. On other transcripts: non-coding transcript variant (7).
Genome position (GRCh38, 1-based): chr1:45,331,813, G>C on the plus strand (C>G on the coding strand, the complement: MUTYH is on the minus strand). VCF-style: chr1-45331813-G-C. GRCh37 (hg19) VCF-style: chr1-45797485-G-C.
Other names: c.950C>G, p.Pro317Arg (NM_001048171.2, NM_001048173.2, NM_001293195.2 and 6 more transcripts); c.953C>G, p.Pro318Arg (NM_001048172.2, NM_001407071.1, NM_001407078.1 and 1 more transcripts); c.1034C>G, p.Pro345Arg (NM_001128425.2); c.995C>G, p.Pro332Arg (NM_001293190.2); c.983C>G, p.Pro328Arg (NM_001293191.2, NM_001407069.1, NM_001407077.1); c.674C>G, p.Pro225Arg (NM_001293192.2, NM_001293196.2, NM_001407091.1); c.605C>G, p.Pro202Arg (NM_001350650.2, NM_001350651.2, NM_001407082.1); c.866C>G, p.Pro289Arg (NM_001407075.1); and 5 more; short protein forms P225R, P303R, P317R, P202R, P289R, P324R, P331R, P328R.
Identifiers: ClinVar variation 4112945 (VCV004112945.1).